The following is an entry in ClinVar:

NM_001035.3(RYR2):c.9138G>A (p.Met3046Ile)

Gene: RYR2 (ryanodine receptor 2; plus strand). Cytogenetic location: 1q43.
Variant type: single nucleotide variant.
Coding change: c.9138G>A on transcript NM_001035.3 (MANE Select); coding-DNA position 9138, G replaced by A.
Protein change: p.Met3046Ile; replaces methionine 3046 with isoleucine.
Molecular consequence: missense variant.
Genome position (GRCh38, 1-based): chr1:237,700,238, G>A. VCF-style: chr1-237700238-G-A. GRCh37 (hg19) VCF-style: chr1-237863538-G-A.
Other names: c.9138G>A, p.Met3046Ile (LRG_402t1); short protein forms M3046I.
Identifiers: ClinVar variation 656443 (VCV000656443.16), dbSNP rs867521152, ClinGen allele CA39786354.

ClinVar aggregate classification (germline): Uncertain significance. Review status: criteria provided, multiple submitters, no conflicts (2 of 4 stars). 3 submissions from 3 submitters: Uncertain significance (3). Last evaluated 2024-04-10.

Conditions:
Catecholaminergic polymorphic ventricular tachycardia 1. Also called: RYR2-Related Catecholaminergic Polymorphic Ventricular Tachycardia; VENTRICULAR TACHYCARDIA, CATECHOLAMINERGIC POLYMORPHIC, 1, WITH OR WITHOUT ATRIAL DYSFUNCTION AND/OR DILATED CARDIOMYOPATHY; VENTRICULAR TACHYCARDIA, STRESS-INDUCED POLYMORPHIC 1. Identifiers: Orphanet 3286, MedGen C1631597, MONDO:0011484, OMIM 604772.
Catecholaminergic polymorphic ventricular tachycardia (CVPT). Also called: Catecholamine-induced polymorphic ventricular tachycardia. Identifiers: Orphanet 3286, MedGen C5574922, MONDO:0017990.
Cardiomyopathy (CMYO). Also called: Cardiomyopathies. Identifiers: Orphanet 167848, MedGen C0878544, MONDO:0004994, HP:0001638. Inheritance: Various modes of inheritance.

Allele frequency attached by ClinVar (database versions not stated): gnomAD exomes below 0.00001; gnomAD 0.00001; TOPMed 0.00001.
gnomAD v4.1: 4 of 1,559,056 alleles (0.00026%); highest among the groups gnomAD compares: Middle Eastern, 0.017%; no homozygotes.

Submissions (3):

All of Us Research Program, National Institutes of Health
Classification: Uncertain significance for Catecholaminergic polymorphic ventricular tachycardia. Last evaluated: 2024-04-10. Review status: criteria provided, single submitter. Criteria: ACMG Guidelines, 2015. Collection method: clinical testing. Allele origin: germline. Inheritance: Autosomal dominant inheritance. Observed: 4 variant alleles, 4 heterozygotes.
Comment: This missense variant replaces methionine with isoleucine at codon 3046 of the RYR2 protein. Computational prediction is inconclusive regarding the impact of this variant on protein structure and function (internally defined REVEL score threshold 0.5 < inconclusive < 0.7, PMID: 27666373). To our knowledge, functional studies have not been reported for this variant. This variant has not been reported in individuals affected with cardiovascular disorders in the literature. This variant has not been identified in the general population by the Genome Aggregation Database (gnomAD). The available evidence is insufficient to determine the role of this variant in disease conclusively. Therefore, this variant is classified as a Variant of Uncertain Significance.

This study involves interpretation of variants in research participants for the purpose of population health screening. Participant phenotype was not available at the time of variant classification. Additional details can be found in publication PMID: 35346344, PMCID: PMC8962531

Color Diagnostics, LLC DBA Color Health
Classification: Uncertain significance for Cardiomyopathy. Last evaluated: 2024-03-06. Review status: criteria provided, single submitter. Criteria: ACMG Guidelines, 2015. Collection method: clinical testing. Allele origin: germline.
Comment: This missense variant replaces methionine with isoleucine at codon 3046 of the RYR2 protein. Computational prediction is inconclusive regarding the impact of this variant on protein structure and function (internally defined REVEL score threshold 0.5 < inconclusive < 0.7, PMID: 27666373). To our knowledge, functional studies have not been reported for this variant. This variant has not been reported in individuals affected with cardiovascular disorders in the literature. This variant has not been identified in the general population by the Genome Aggregation Database (gnomAD). The available evidence is insufficient to determine the role of this variant in disease conclusively. Therefore, this variant is classified as a Variant of Uncertain Significance.

Labcorp Genetics (formerly Invitae), Labcorp
Classification: Uncertain significance for Catecholaminergic polymorphic ventricular tachycardia 1. Last evaluated: 2021-04-23. Review status: criteria provided, single submitter. Criteria: Invitae Variant Classification Sherloc (09022015). Collection method: clinical testing. Allele origin: germline.
Comment: This variant has not been reported in the literature in individuals with RYR2-related disease. In summary, the available evidence is currently insufficient to determine the role of this variant in disease. Therefore, it has been classified as a Variant of Uncertain Significance. Algorithms developed to predict the effect of missense changes on protein structure and function are either unavailable or do not agree on the potential impact of this missense change (SIFT: "Deleterious"; PolyPhen-2: "Possibly Damaging"; Align-GVGD: "Class C0"). This variant is not present in population databases (ExAC no frequency). This sequence change replaces methionine with isoleucine at codon 3046 of the RYR2 protein (p.Met3046Ile). The methionine residue is highly conserved and there is a small physicochemical difference between methionine and isoleucine.